The following is an entry in ClinVar:

NM_016604.4(KDM3B):c.3317A>G (p.Asn1106Ser)

Gene: KDM3B (lysine demethylase 3B; plus strand). Cytogenetic location: 5q31.2.
Variant type: single nucleotide variant.
Coding change: c.3317A>G on transcript NM_016604.4 (MANE Select); coding-DNA position 3317, A replaced by G.
Protein change: p.Asn1106Ser; replaces asparagine 1106 with serine.
Molecular consequence: missense variant.
Genome position (GRCh38, 1-based): chr5:138,417,492, A>G. VCF-style: chr5-138417492-A-G. GRCh37 (hg19) VCF-style: chr5-137753181-A-G.
Other names: short protein forms N1106S.
Identifiers: ClinVar variation 1461503 (VCV001461503.10), dbSNP rs762314650, ClinGen allele CA3429232.

ClinVar aggregate classification (germline): Uncertain significance. Review status: criteria provided, multiple submitters, no conflicts (2 of 4 stars). 2 submissions from 2 submitters: Uncertain significance (2). Last evaluated 2021-12-10.

Allele frequency attached by ClinVar (database versions not stated): gnomAD exomes below 0.00001 and 0.00001; TOPMed below 0.00001; ExAC 0.00001; gnomAD 0.00001.
gnomAD v4.1: 10 of 1,613,996 alleles (0.00062%); highest among the groups gnomAD compares: South Asian, 0.0011%; no homozygotes.

Submissions (2):

Centre of Medical Genetics, University Hospital Muenster
Classification: Uncertain significance. Last evaluated: 2021-12-10. Review status: criteria provided, single submitter. Criteria: ACMG Guidelines, 2015. Collection method: clinical testing. Allele origin: unknown. Affected: yes. Observed: 1 variant allele, 1 heterozygote.
Comment: ACMG categories: PM1,PP3,BP1

Labcorp Genetics (formerly Invitae), Labcorp
Classification: Uncertain significance. Last evaluated: 2021-06-18. Review status: criteria provided, single submitter. Criteria: Invitae Variant Classification Sherloc (09022015). Collection method: clinical testing. Allele origin: germline.
Comment: This sequence change replaces asparagine with serine at codon 1106 of the KDM3B protein (p.Asn1106Ser). The asparagine residue is moderately conserved and there is a small physicochemical difference between asparagine and serine. This variant is present in population databases (rs762314650, ExAC 0.002%). This variant has not been reported in the literature in individuals with KDM3B-related conditions. Algorithms developed to predict the effect of missense changes on protein structure and function are either unavailable or do not agree on the potential impact of this missense change (SIFT: "Tolerated"; PolyPhen-2: "Possibly Damaging"; Align-GVGD: "Class C0"). Algorithms developed to predict the effect of sequence changes on RNA splicing suggest that this variant may create or strengthen a splice site, but this prediction has not been confirmed by published transcriptional studies. In summary, the available evidence is currently insufficient to determine the role of this variant in disease. Therefore, it has been classified as a Variant of Uncertain Significance.